The following is an entry in ClinVar:

ClinVar aggregate classification (germline): Uncertain significance (1 of 4 stars; one submission).

Conditions:
TMEM165-congenital disorder of glycosylation. Also called: Congenital disorder of glycosylation type 2k; CDG IIk; TMEM165-CDG. Identifiers: Orphanet 314667, MedGen C3553571, MONDO:0013870, OMIM 614727.

Allele frequency attached by ClinVar (database versions not stated): gnomAD exomes below 0.00001.
gnomAD v4.1: 1 of 1,517,500 alleles (0.000066%); highest among the groups gnomAD compares: Non-Finnish European, 0.000088%; no homozygotes.

Submission:

Labcorp Genetics (formerly Invitae), Labcorp
Classification: Uncertain significance for TMEM165-congenital disorder of glycosylation. Last evaluated: 2022-08-08. Review status: criteria provided, single submitter. Criteria: Invitae Variant Classification Sherloc (09022015). Collection method: clinical testing. Allele origin: germline.
Comment: This variant is not present in population databases (gnomAD no frequency). This variant has not been reported in the literature in individuals affected with TMEM165-related conditions. This sequence change replaces alanine, which is neutral and non-polar, with valine, which is neutral and non-polar, at codon 48 of the TMEM165 protein (p.Ala48Val). In summary, the available evidence is currently insufficient to determine the role of this variant in disease. Therefore, it has been classified as a Variant of Uncertain Significance. Algorithms developed to predict the effect of missense changes on protein structure and function output the following: SIFT: "Tolerated"; PolyPhen-2: "Possibly Damaging"; Align-GVGD: "Class C0". The valine amino acid residue is found in multiple mammalian species, which suggests that this missense change does not adversely affect protein function.

NM_018475.5(TMEM165):c.143C>T (p.Ala48Val)

Genes: TMEM165 (transmembrane protein 165; plus strand), LOC129992613 (ATAC-STARR-seq lymphoblastoid silent region 15439; plus strand). Cytogenetic location: 4q12.
Variant type: single nucleotide variant.
Coding change: c.143C>T on transcript NM_018475.5 (MANE Select); coding-DNA position 143, C replaced by T.
Protein change: p.Ala48Val; replaces alanine 48 with valine.
Molecular consequence: missense variant. On other transcripts: non-coding transcript variant (1).
Genome position (GRCh38, 1-based): chr4:55,396,332, C>T. VCF-style: chr4-55396332-C-T. GRCh37 (hg19) VCF-style: chr4-56262499-C-T.
Other names: short protein forms A48V.
Identifiers: ClinVar variation 1715729 (VCV001715729.6), dbSNP rs569903895, ClinGen allele CA356958876.